The following is an entry in ClinVar:

ClinVar aggregate classification (germline): Benign/Likely benign. Review status: criteria provided, multiple submitters, no conflicts (2 of 4 stars). 7 submissions from 7 submitters: Benign (6); Likely benign (1). Last evaluated 2026-02-03.

Conditions:
Inborn genetic diseases. Identifiers: MedGen C0950123, MeSH D030342.
Intellectual developmental disorder, X-linked 93. Also called: Intellectual disability, X-linked 93; MENTAL RETARDATION, X-LINKED, WITH MACROCEPHALY. Identifiers: MedGen C1970841, MONDO:0010393, OMIM 300659.

Allele frequency attached by ClinVar (database versions not stated): 1000 Genomes Project 30x 0.00042; 1000 Genomes Project 0.00053; TOPMed 0.00443; gnomAD exomes 0.00490 and 0.00866; gnomAD 0.00511 and 0.00531; ExAC 0.00521; ESP Exome Variant Server 0.00672.
gnomAD v4.1: 9,803 of 1,197,146 alleles (0.82%); highest among the groups gnomAD compares: Non-Finnish European, 1.1%; 37 homozygotes.

Submissions (7):

Labcorp Genetics (formerly Invitae), Labcorp
Classification: Benign. Last evaluated: 2026-02-03. Review status: criteria provided, single submitter. Criteria: Invitae Variant Classification Sherloc (09022015). Collection method: clinical testing. Allele origin: germline.

Blueprint Genetics
Classification: Likely benign. Last evaluated: 2024-11-28. Review status: criteria provided, single submitter. Criteria: ACMG Guidelines, 2015. Collection method: clinical testing. Allele origin: germline.

GeneDx
Classification: Benign. Last evaluated: 2019-03-26. Review status: criteria provided, single submitter. Criteria: GeneDx Variant Classification Process June 2021. Collection method: clinical testing. Allele origin: germline. Affected: yes.

Illumina Laboratory Services, Illumina
Classification: Benign for Intellectual developmental disorder, X-linked 93. Last evaluated: 2018-01-13. Review status: criteria provided, single submitter. Criteria: ICSL Variant Classification Criteria 13 December 2019. Collection method: clinical testing. Allele origin: germline.
Comment: This variant was observed in the ICSL laboratory as part of a predisposition screen in an ostensibly healthy population. It had not been previously curated by ICSL or reported in the Human Gene Mutation Database (HGMD: prior to June 1st, 2018), and was therefore a candidate for classification through an automated scoring system. Utilizing variant allele frequency, disease prevalence and penetrance estimates, and inheritance mode, an automated score was calculated to assess if this variant is too frequent to cause the disease. Based on the score and internal cut-off values, a variant classified as benign is not then subjected to further curation. The score for this variant resulted in a classification of benign for this disease.

Genetic Services Laboratory, University of Chicago
Classification: Benign. Last evaluated: 2016-10-12. Review status: criteria provided, single submitter. Criteria: ACMG Guidelines, 2015. Collection method: clinical testing. Allele origin: germline. Affected: no.

Ambry Genetics
Classification: Benign for Inborn genetic diseases. Last evaluated: 2016-07-06. Review status: criteria provided, single submitter. Criteria: Ambry Variant Classification Scheme 2023. Collection method: clinical testing. Allele origin: germline.

Breakthrough Genomics
Classification: Benign. Review status: criteria provided, single submitter. Criteria: ACMG Guidelines, 2015. Collection method: not provided. Allele origin: germline. Inheritance: X-linked inheritance. Affected: yes.

NM_153252.5(BRWD3):c.597A>C (p.Ser199=)

Gene: BRWD3 (bromodomain and WD repeat domain containing 3; minus strand). Cytogenetic location: Xq21.1.
Variant type: single nucleotide variant.
Coding change: c.597A>C on transcript NM_153252.5 (MANE Select); coding-DNA position 597, A replaced by C.
Protein change: p.Ser199=; no amino-acid change (serine 199 retained).
Molecular consequence: synonymous variant.
Genome position (GRCh38, 1-based): chrX:80,744,248, T>G on the plus strand (A>C on the coding strand, the complement: BRWD3 is on the minus strand). VCF-style: chrX-80744248-T-G. GRCh37 (hg19) VCF-style: chrX-79999747-T-G.
Identifiers: ClinVar variation 210543 (VCV000210543.27), dbSNP rs142085721, ClinGen allele CA206691.